The following is an entry in ClinVar:

NM_000138.5(FBN1):c.7205-18A>G

Gene: FBN1 (fibrillin 1; minus strand). Cytogenetic location: 15q21.1.
Variant type: single nucleotide variant.
Coding change: c.7205-18A>G on transcript NM_000138.5 (MANE Select); 18 bases into the intron before coding-DNA position 7205, A replaced by G.
Molecular consequence: intron variant.
Genome position (GRCh38, 1-based): chr15:48,425,882, T>C on the plus strand (A>G on the coding strand, the complement: FBN1 is on the minus strand). VCF-style: chr15-48425882-T-C. GRCh37 (hg19) VCF-style: chr15-48718079-T-C.
Identifiers: ClinVar variation 514848 (VCV000514848.8), dbSNP rs1555394451, ClinGen allele CA658798045.
Genomic context (GRCh38, chr15:48,425,882, plus strand): 5'-CCATTTCGGCAAACATCGTGAATAACCTTGCATTCATCGATATCTGTAATTTAACAAATA[T>C]AAATTAAGAAATATATCATAAAATTGACAACATTAATATGTAGGGGGTCACTTCAGTGTA-3'

ClinVar aggregate classification (germline): Likely benign. Review status: criteria provided, multiple submitters, no conflicts (2 of 4 stars). 2 submissions from 2 submitters: Likely benign (2). Last evaluated 2025-01-21.

Conditions:
Familial thoracic aortic aneurysm and aortic dissection (TAAD). Also called: Thoracic aortic aneurysms and dissections. Identifiers: Orphanet 91387, MedGen C4707243, MONDO:0019625.
Marfan syndrome (MFS). Also called: Marfan syndrome type 1; Marfan syndrome, classic; Marfan's syndrome; FBN1-Related Marfan Syndrome; MARFAN SYNDROME, TYPE I. Identifiers: Orphanet 284963, Orphanet 558, MedGen C0024796, MONDO:0007947, OMIM 154700.

Allele frequency attached by ClinVar (database versions not stated): gnomAD exomes below 0.00001.
gnomAD v4.1: 1 of 1,585,658 alleles (0.000063%); highest among the groups gnomAD compares: Non-Finnish European, 0.000087%; no homozygotes.

Submissions (2):

Labcorp Genetics (formerly Invitae), Labcorp
Classification: Likely benign for Marfan syndrome; Familial thoracic aortic aneurysm and aortic dissection. Last evaluated: 2025-01-21. Review status: criteria provided, single submitter. Criteria: Invitae Variant Classification Sherloc (09022015). Collection method: clinical testing. Allele origin: germline.

GeneDx
Classification: Likely benign. Last evaluated: 2018-01-12. Review status: criteria provided, single submitter. Criteria: GeneDx Variant Classification (06012015). Collection method: clinical testing. Allele origin: germline. Affected: yes.
Comment: This variant is considered likely benign or benign based on one or more of the following criteria: it is a conservative change, it occurs at a poorly conserved position in the protein, it is predicted to be benign by multiple in silico algorithms, and/or has population frequency not consistent with disease.